The following is an entry in ClinVar:

ClinVar aggregate classification (germline): Uncertain significance (1 of 4 stars; one submission).

Conditions:
Generalized epilepsy with febrile seizures plus, type 7 (GEFSP7). Also called: GEFS+, TYPE 7. Identifiers: Orphanet 36387, MedGen C2751778, MONDO:0013470, OMIM 613863.
Neuropathy, hereditary sensory and autonomic, type 2A (HSAN2A). Also called: WNK1-Related HSAN2 (HSAN2A); MORVAN DISEASE; NEUROPATHY, CONGENITAL SENSORY; NEUROPATHY, HEREDITARY SENSORY RADICULAR, AUTOSOMAL RECESSIVE; NEUROPATHY, HEREDITARY SENSORY, TYPE IIA; NEUROPATHY, PROGRESSIVE SENSORY, OF CHILDREN. Identifiers: Orphanet 970, MedGen C2752089, MONDO:0024309, OMIM 201300.

Allele frequency attached by ClinVar (database versions not stated): gnomAD exomes 0.00001.
gnomAD v4.1: 8 of 1,574,840 alleles (0.00051%); highest among the groups gnomAD compares: Non-Finnish European, 0.00069%; no homozygotes.

Submission:

Labcorp Genetics (formerly Invitae), Labcorp
Classification: Uncertain significance for Neuropathy, hereditary sensory and autonomic, type 2A; Generalized epilepsy with febrile seizures plus, type 7. Last evaluated: 2023-12-18. Review status: criteria provided, single submitter. Criteria: Invitae Variant Classification Sherloc (09022015). Collection method: clinical testing. Allele origin: germline.
Comment: This sequence change replaces aspartic acid, which is acidic and polar, with glycine, which is neutral and non-polar, at codon 1447 of the SCN9A protein (p.Asp1447Gly). This variant is not present in population databases (gnomAD no frequency). This variant has not been reported in the literature in individuals affected with SCN9A-related conditions. ClinVar contains an entry for this variant (Variation ID: 1410670). Advanced modeling of protein sequence and biophysical properties (such as structural, functional, and spatial information, amino acid conservation, physicochemical variation, residue mobility, and thermodynamic stability) has been performed at Invitae for this missense variant, however the output from this modeling did not meet the statistical confidence thresholds required to predict the impact of this variant on SCN9A protein function. Algorithms developed to predict the effect of sequence changes on RNA splicing suggest that this variant may disrupt the consensus splice site. In summary, the available evidence is currently insufficient to determine the role of this variant in disease. Therefore, it has been classified as a Variant of Uncertain Significance.

NM_001365536.1(SCN9A):c.4373A>G (p.Asp1458Gly)

Genes: SCN9A (sodium voltage-gated channel alpha subunit 9; minus strand), SCN1A-AS1 (SCN1A and SCN9A antisense RNA 1; plus strand). Cytogenetic location: 2q24.3.
Variant type: single nucleotide variant.
Coding change: c.4373A>G on transcript NM_001365536.1 (MANE Select); coding-DNA position 4373, A replaced by G.
Protein change: p.Asp1458Gly; replaces aspartic acid 1458 with glycine.
Molecular consequence: missense variant.
Genome position (GRCh38, 1-based): chr2:166,226,592, T>C on the plus strand (A>G on the coding strand, the complement: SCN9A is on the minus strand). VCF-style: chr2-166226592-T-C. GRCh37 (hg19) VCF-style: chr2-167083102-T-C.
Other names: c.4340A>G, p.Asp1447Gly (NM_002977.4); short protein forms D1458G, D1447G.
Identifiers: ClinVar variation 1410670 (VCV001410670.6), dbSNP rs1274200571, ClinGen allele CA349061875.